The following is an entry in ClinVar:

NM_000061.3(BTK):c.1571C>T (p.Ala524Val)

Gene: BTK (Bruton tyrosine kinase; minus strand). Cytogenetic location: Xq22.1.
Variant type: single nucleotide variant.
Coding change: c.1571C>T on transcript NM_000061.3 (MANE Select); coding-DNA position 1571, C replaced by T.
Protein change: p.Ala524Val; replaces alanine 524 with valine.
Molecular consequence: missense variant.
Genome position (GRCh38, 1-based): chrX:101,354,690, G>A on the plus strand (C>T on the coding strand, the complement: BTK is on the minus strand). VCF-style: chrX-101354690-G-A. GRCh37 (hg19) VCF-style: chrX-100609678-G-A.
Other names: c.1673C>T, p.Ala558Val (NM_001287344.2); c.1043C>T, p.Ala348Val (NM_001287345.2); short protein forms A348V, A524V, A558V.
Identifiers: ClinVar variation 2817016 (VCV002817016.3), dbSNP rs2520541438, ClinGen allele CA413922497.
Genomic context (GRCh38, chrX:101,354,690, plus strand): 5'-CTGGACAGGCCGAAATCAGATACTTTAACAACTCCTTGATCGTTTACCAAACAGTTTCGA[G>A]CTGCCTGTAGTGCAAACAGAGACCAGTGAGACTCCGTCCCCAGCACAGAGGTTAAAGGCA-3'
Protein context (NP_000052.1, residues 514-534): SKQFLHRDLA[Ala524Val]RNCLVNDQGV

ClinVar aggregate classification (germline): Uncertain significance (1 of 4 stars; one submission).

Conditions:
X-linked agammaglobulinemia with growth hormone deficiency (IGHD3). Also called: AGAMMAGLOBULINEMIA AND ISOLATED GROWTH HORMONE DEFICIENCY, X-LINKED; ISOLATED GROWTH HORMONE DEFICIENCY, TYPE III, WITH AGAMMAGLOBULINEMIA; FLEISHER SYNDROME; HYPOGAMMAGLOBULINEMIA AND ISOLATED GROWTH HORMONE DEFICIENCY, X-LINKED; IGHD III; Isolated growth hormone deficiency type 3. Identifiers: Orphanet 231692, Orphanet 631, MedGen C0472813, MONDO:0010615, OMIM 307200.

Submission:

Labcorp Genetics (formerly Invitae), Labcorp
Classification: Uncertain significance for X-linked agammaglobulinemia with growth hormone deficiency. Last evaluated: 2023-10-13. Review status: criteria provided, single submitter. Criteria: Invitae Variant Classification Sherloc (09022015). Collection method: clinical testing. Allele origin: germline.
Comment: This sequence change replaces alanine, which is neutral and non-polar, with valine, which is neutral and non-polar, at codon 524 of the BTK protein (p.Ala524Val). This variant is not present in population databases (gnomAD no frequency). This variant has not been reported in the literature in individuals affected with BTK-related conditions. Advanced modeling of protein sequence and biophysical properties (such as structural, functional, and spatial information, amino acid conservation, physicochemical variation, residue mobility, and thermodynamic stability) performed at Invitae indicates that this missense variant is expected to disrupt BTK protein function. In summary, the available evidence is currently insufficient to determine the role of this variant in disease. Therefore, it has been classified as a Variant of Uncertain Significance.